The following is an entry in ClinVar:

NM_001145073.3(USP27X):c.1211G>A (p.Ser404Asn)

Gene: USP27X (ubiquitin specific peptidase 27 X-linked; plus strand). Cytogenetic location: Xp11.23.
Variant type: single nucleotide variant.
Coding change: c.1211G>A on transcript NM_001145073.3 (MANE Select); coding-DNA position 1211, G replaced by A.
Protein change: p.Ser404Asn; replaces serine 404 with asparagine.
Molecular consequence: missense variant.
Genome position (GRCh38, 1-based): chrX:49,881,518, G>A. VCF-style: chrX-49881518-G-A. GRCh37 (hg19) VCF-style: chrX-49646121-G-A.
Other names: short protein forms S404N.
Identifiers: ClinVar variation 2499532 (VCV002499532.4), dbSNP rs1557162761, ClinGen allele CA413172670.
Genomic context (GRCh38, chrX:49,881,518, plus strand): 5'-TCATCCGGCACCACAAGGACCAGTGGTTCAAGTGTGATGATGCCGTCATCACTAAGGCCA[G>A]TATTAAGGACGTACTGGACAGTGAAGGGTATTTACTGTTCTATCACAAACAGGTGCTAGA-3'
Protein context (NP_001138545.1, residues 394-414): KCDDAVITKA[Ser404Asn]IKDVLDSEGY

ClinVar aggregate classification (germline): Uncertain significance. Review status: criteria provided, multiple submitters, no conflicts (2 of 4 stars). 4 submissions from 4 submitters: Uncertain significance (3). 1 of the submissions does not count toward it. Last evaluated 2026-01-27.

Conditions:
Intellectual developmental disorder, X-linked 105. Also called: Intellectual disability, X-linked 105. Identifiers: MedGen C4310816, MONDO:0010510, OMIM 300984.

Allele frequency attached by ClinVar (database versions not stated): gnomAD 0.00001; gnomAD exomes 0.00001; TOPMed 0.00001.

Submissions (4):

3billion
Classification: Uncertain significance for Intellectual developmental disorder, X-linked 105. Last evaluated: 2026-01-27. Review status: criteria provided, single submitter. Criteria: ACMG Guidelines, 2015. Collection method: clinical testing. Allele origin: germline. Affected: yes.
Comment: The variant is observed at an extremely low frequency in the gnomAD v4.1.0 dataset (total allele frequency: <0.001%). Predicted Consequence/Location: Missense variant Functional studies provide supporting evidence of the variant having a damaging effect on the gene or gene product (PMID: 38182161). The same nucleotide change resulting in the same amino acid change has been previously reported to be associated with USP27X-related disorder (PMID: 38182161). The variant has been observed in at least two similarly affected unrelated individuals (PMID: 38182161). The variant has been reported as of uncertain significance (ClinVar ID: VCV002499532.2). However, the evidence of pathogenicity is insufficient at this time. Therefore, this variant is classified as VUS according to the recommendation of ACMG/AMP guideline.

Blueprint Genetics
Classification: Uncertain significance. Last evaluated: 2021-06-11. Review status: criteria provided, single submitter. Criteria: ACMG Guidelines, 2015. Collection method: clinical testing. Allele origin: germline.

Hadassah Hebrew University Medical Center
Classification: Uncertain significance for Intellectual developmental disorder, X-linked 105. Review status: criteria provided, single submitter. Criteria: ACMG Guidelines, 2015. Collection method: clinical testing. Allele origin: germline. Affected: yes.

OMIM
Classification: Pathogenic for INTELLECTUAL DEVELOPMENTAL DISORDER, X-LINKED 105. Last evaluated: 2024-02-15. Review status: no assertion criteria provided. Collection method: literature only. Allele origin: germline. Not counted in ClinVar's aggregate classification.

Literature cited by the submitters: PubMed 38182161 (cited by 3billion and OMIM).